The following is an entry in ClinVar:

ClinVar aggregate classification (germline): Uncertain significance. Review status: criteria provided, multiple submitters, no conflicts (2 of 4 stars). 2 submissions from 2 submitters: Uncertain significance (2). Last evaluated 2026-07-06.

Conditions:
Gorlin syndrome. Also called: Basal cell nevus syndrome; Nevoid Basal Cell Carcinoma Syndrome. Identifiers: Orphanet 377, MedGen C0004779, MONDO:0007187.
Hereditary cancer-predisposing syndrome. Also called: Tumor predisposition; Hereditary Cancer Syndrome; Hereditary neoplastic syndrome; Neoplastic Syndromes, Hereditary. Identifiers: Orphanet 140162, MedGen C0027672, MeSH D009386, MONDO:0015356.

Submissions (2):

Ambry Genetics
Classification: Uncertain significance for Hereditary cancer-predisposing syndrome. Last evaluated: 2026-07-06. Review status: criteria provided, single submitter. Criteria: Ambry Variant Classification Scheme 2023. Collection method: clinical testing. Allele origin: germline.
Comment: The p.N771K variant (also known as c.2313C>G), located in coding exon 15 of the PTCH1 gene, results from a C to G substitution at nucleotide position 2313. The asparagine at codon 771 is replaced by lysine, an amino acid with similar properties. This amino acid position is conserved. In addition, this alteration is predicted to be tolerated by in silico analysis. Based on the available evidence, the clinical significance of this variant remains unclear.

Labcorp Genetics (formerly Invitae), Labcorp
Classification: Uncertain significance for Gorlin syndrome. Last evaluated: 2022-10-08. Review status: criteria provided, single submitter. Criteria: Invitae Variant Classification Sherloc (09022015). Collection method: clinical testing. Allele origin: germline.
Comment: In summary, the available evidence is currently insufficient to determine the role of this variant in disease. Therefore, it has been classified as a Variant of Uncertain Significance. Advanced modeling of protein sequence and biophysical properties (such as structural, functional, and spatial information, amino acid conservation, physicochemical variation, residue mobility, and thermodynamic stability) performed at Invitae indicates that this missense variant is not expected to disrupt PTCH1 protein function. This variant has not been reported in the literature in individuals affected with PTCH1-related conditions. This variant is not present in population databases (gnomAD no frequency). This sequence change replaces asparagine, which is neutral and polar, with lysine, which is basic and polar, at codon 837 of the PTCH1 protein (p.Asn837Lys).

NM_000264.5(PTCH1):c.2511C>G (p.Asn837Lys)

Genes: PTCH1 (patched 1; minus strand), LOC100507346 (uncharacterized LOC100507346; plus strand). Cytogenetic location: 9q22.32.
Variant type: single nucleotide variant.
Coding change: c.2511C>G on transcript NM_000264.5 (MANE Select); coding-DNA position 2511, C replaced by G.
Protein change: p.Asn837Lys; replaces asparagine 837 with lysine.
Molecular consequence: missense variant. On other transcripts: non-coding transcript variant (2).
Genome position (GRCh38, 1-based): chr9:95,467,165, G>C on the plus strand (C>G on the coding strand, the complement: PTCH1 is on the minus strand). VCF-style: chr9-95467165-G-C. GRCh37 (hg19) VCF-style: chr9-98229447-G-C.
Other names: c.2313C>G, p.Asn771Lys (NM_001083602.3); c.2508C>G, p.Asn836Lys (NM_001083603.3); c.2058C>G, p.Asn686Lys (NM_001083604.3, NM_001083605.3, NM_001083606.3 and 1 more transcripts); c.2355C>G, p.Asn785Lys (NM_001354918.2); short protein forms N785K, N771K, N837K, N686K, N836K.
Identifiers: ClinVar variation 2068326 (VCV002068326.5), dbSNP rs1588568559, ClinGen allele CA374113865.